The following is an entry in ClinVar:

ClinVar aggregate classification (germline): Likely benign (1 of 4 stars; one submission).

Allele frequency attached by ClinVar (database versions not stated): gnomAD exomes 0.00035 and 0.00092; ExAC 0.00125; gnomAD 0.00332 and 0.00364; TOPMed 0.00375; 1000 Genomes Project 0.00439; ESP Exome Variant Server 0.00479; 1000 Genomes Project 30x 0.00515.

Submission:

GeneDx
Classification: Likely benign. Last evaluated: 2018-06-16. Review status: criteria provided, single submitter. Criteria: GeneDx Variant Classification (06012015). Collection method: clinical testing. Allele origin: germline. Affected: yes.
Comment: This variant is considered likely benign or benign based on one or more of the following criteria: it is a conservative change, it occurs at a poorly conserved position in the protein, it is predicted to be benign by multiple in silico algorithms, and/or has population frequency not consistent with disease.

NM_003119.4(SPG7):c.2104-24del

Gene: SPG7 (SPG7 matrix AAA peptidase subunit, paraplegin; plus strand). Cytogenetic location: 16q24.3.
Variant type: Deletion.
Coding change: c.2104-24del on transcript NM_003119.4 (MANE Select); 24 bases into the intron before coding-DNA position 2104, one base deleted (T; older notation c.2104-24delT).
Molecular consequence: intron variant.
Genome position (GRCh38, 1-based): chr16:89,554,462, T deleted. VCF-style (leftmost placement, unchanged base first): chr16-89554461-CT-C. GRCh37 (hg19) VCF-style: chr16-89620869-CT-C.
Other names: c.2104-24del (NM_001363850.1).
Identifiers: ClinVar variation 675934 (VCV000675934.1), dbSNP rs374488085, ClinGen allele CA8244544.
Genomic context (GRCh38, chr16:89,554,461, plus strand): 5'-TCCCAGTCTGCCATTTCTTTTCTGTGCTTTGGTGCTGGAGCCAGGCGGCCAGCCTTGCCC[CT>C]GACACAGTTCCCTCCACTCACAGGAAGCAAGACTGCTGGTGGCCAAGGCCTACAGACACA-3'